The following is an entry in ClinVar:

ClinVar aggregate classification (germline): Uncertain significance (1 of 4 stars; one submission).

gnomAD v4.1: 2 of 1,602,472 alleles (0.00012%); highest among the groups gnomAD compares: Admixed American, 0.0034%; no homozygotes.

Submission:

Labcorp Genetics (formerly Invitae), Labcorp
Classification: Uncertain significance. Last evaluated: 2024-08-21. Review status: criteria provided, single submitter. Criteria: Invitae Variant Classification Sherloc (09022015). Collection method: clinical testing. Allele origin: germline.
Comment: This sequence change replaces leucine, which is neutral and non-polar, with valine, which is neutral and non-polar, at codon 41 of the SCO1 protein (p.Leu41Val). This variant is present in population databases (no rsID available, gnomAD 0.006%). This variant has not been reported in the literature in individuals affected with SCO1-related conditions. An algorithm developed to predict the effect of missense changes on protein structure and function (PolyPhen-2) suggests that this variant is likely to be tolerated. In summary, the available evidence is currently insufficient to determine the role of this variant in disease. Therefore, it has been classified as a Variant of Uncertain Significance.

NM_004589.4(SCO1):c.121C>G (p.Leu41Val)

Genes: SCO1 (synthesis of cytochrome C oxidase 1; minus strand), LOC112529895 (Sharpr-MPRA regulatory region 5903; plus strand). Cytogenetic location: 17p13.1.
Variant type: single nucleotide variant.
Coding change: c.121C>G on transcript NM_004589.4 (MANE Select); coding-DNA position 121, C replaced by G.
Protein change: p.Leu41Val; replaces leucine 41 with valine.
Molecular consequence: missense variant.
Genome position (GRCh38, 1-based): chr17:10,697,387, G>C on the plus strand (C>G on the coding strand, the complement: SCO1 is on the minus strand). VCF-style: chr17-10697387-G-C. GRCh37 (hg19) VCF-style: chr17-10600704-G-C.
Other names: short protein forms L41V.
Identifiers: ClinVar variation 3662793 (VCV003662793.2).
Genomic context (GRCh38, chr17:10,697,387, plus strand): 5'-AATAGCCAGGGCGCCCCGAGGCACGCCACGCCTCCGCTTGCCGCGCGCAGAACTGCCTCA[G>C]CAAGACTCTCGCAGTCCCCTCGGCTGGGCCCCAAAACTCGAGTCCGCGAGGCAAGAAGCG-3'
Protein context (NP_004580.1, residues 31-51): GPAEGTARVL[Leu41Val]RQFCARQAEA